The following is an entry in ClinVar:

NM_000074.3(CD40LG):c.464T>A (p.Leu155Gln)

Gene: CD40LG (CD40 ligand; plus strand). Cytogenetic location: Xq26.3.
Variant type: single nucleotide variant.
Coding change: c.464T>A on transcript NM_000074.3 (MANE Select); coding-DNA position 464, T replaced by A.
Protein change: p.Leu155Gln; replaces leucine 155 with glutamine.
Molecular consequence: missense variant.
Genome position (GRCh38, 1-based): chrX:136,659,093, T>A. VCF-style: chrX-136659093-T-A. GRCh37 (hg19) VCF-style: chrX-135741252-T-A.
Other names: short protein forms L155Q.
Identifiers: ClinVar variation 421148 (VCV000421148.4), dbSNP rs104894769, ClinGen allele CA16621210.
Genomic context (GRCh38, chrX:136,659,093, plus strand): 5'-TAACAGTGTTACAGTGGGCTGAAAAAGGATACTACACCATGAGCAACAACTTGGTAACCC[T>A]GGAAAATGGGAAACAGCTGACCGTTAAAAGACAAGGACTCTATTATATCTATGCCCAAGT-3'
Protein context (NP_000065.1, residues 145-165): YYTMSNNLVT[Leu155Gln]ENGKQLTVKR

ClinVar aggregate classification (germline): Likely pathogenic (1 of 4 stars; one submission).

Submission:

GeneDx
Classification: Likely pathogenic. Last evaluated: 2022-07-13. Review status: criteria provided, single submitter. Criteria: GeneDx Variant Classification Process June 2021. Collection method: clinical testing. Allele origin: germline. Affected: yes.
Comment: Not observed at significant frequency in large population cohorts (gnomAD); In silico analysis supports that this missense variant does not alter protein structure/function